The following is an entry in ClinVar:

NC_000019.9:g.(?_4094431)_(4123872_?)del

Gene: MAP2K2 (mitogen-activated protein kinase kinase 2; minus strand). Cytogenetic location: 19p13.3.
Variant type: Deletion.
Identifiers: ClinVar variation 1448681 (VCV001448681.4).

ClinVar aggregate classification (germline): Uncertain significance (1 of 4 stars; one submission).

Conditions:
RASopathy. Also called: Noonan spectrum disorder; rasopathies. Identifiers: Orphanet 536391, MedGen C5555857, MONDO:0021060.

Submission:

Labcorp Genetics (formerly Invitae), Labcorp
Classification: Uncertain significance for RASopathy. Last evaluated: 2021-09-19. Review status: criteria provided, single submitter. Criteria: Invitae Variant Classification Sherloc (09022015). Collection method: clinical testing. Allele origin: germline.
Comment: In summary, the available evidence is currently insufficient to determine the role of this variant in disease. Therefore, it has been classified as a Variant of Uncertain Significance. Experimental studies and prediction algorithms are not available or were not evaluated, and the functional significance of this variant is currently unknown. This variant has not been reported in the literature in individuals affected with MAP2K2-related conditions. This variant is a gross deletion of the genomic region encompassing exon(s) 1-10 of the MAP2K2 gene, which includes the initiator codon. This deletion extends beyond the assayed region for this gene and therefore may encompass additional genes. It is expected to result in an absent or disrupted protein product. However, the current clinical and genetic evidence is not sufficient to establish whether loss-of-function variants in MAP2K2 cause disease.